The following is an entry in ClinVar:

NM_001111125.3(IQSEC2):c.737+191G>A

Gene: IQSEC2 (IQ motif and Sec7 domain ArfGEF 2; minus strand). Cytogenetic location: Xp11.22.
Variant type: single nucleotide variant.
Coding change: c.737+191G>A on transcript NM_001111125.3 (MANE Select); 191 bases into the intron after coding-DNA position 737, G replaced by A.
Molecular consequence: intron variant.
Genome position (GRCh38, 1-based): chrX:53,291,704, C>T on the plus strand (G>A on the coding strand, the complement: IQSEC2 is on the minus strand). VCF-style: chrX-53291704-C-T. GRCh37 (hg19) VCF-style: chrX-53320886-C-T.
Identifiers: ClinVar variation 677532 (VCV000677532.1), dbSNP rs60784175, ClinGen allele CA329901707.

ClinVar aggregate classification (germline): Likely benign (1 of 4 stars; one submission).

Allele frequency attached by ClinVar (database versions not stated): 1000 Genomes Project 30x 0.00666; gnomAD 0.00721 and 0.00774; 1000 Genomes Project 0.00742; TOPMed 0.00862.
gnomAD v4.1: 788 of 110,792 alleles (0.71%); highest among the groups gnomAD compares: African/African-American, 2.4%; 5 homozygotes.

Submission:

GeneDx
Classification: Likely benign. Last evaluated: 2018-06-14. Review status: criteria provided, single submitter. Criteria: GeneDx Variant Classification (06012015). Collection method: clinical testing. Allele origin: germline. Affected: yes.
Comment: This variant is considered likely benign or benign based on one or more of the following criteria: it is a conservative change, it occurs at a poorly conserved position in the protein, it is predicted to be benign by multiple in silico algorithms, and/or has population frequency not consistent with disease.